The following is an entry in ClinVar:

ClinVar aggregate classification (germline): Uncertain significance (1 of 4 stars; one submission).

Allele frequency attached by ClinVar (database versions not stated): gnomAD 0.00001; gnomAD exomes 0.00001; TOPMed 0.00001.
gnomAD v4.1: 17 of 1,165,216 alleles (0.0015%); highest among the groups gnomAD compares: African/African-American, 0.0036%; no homozygotes.

Submission:

CeGaT Center for Human Genetics Tuebingen
Classification: Uncertain significance. Last evaluated: 2023-11-01. Review status: criteria provided, single submitter. Criteria: CeGaT Center For Human Genetics Tuebingen Variant Classification Criteria Version 2. Collection method: clinical testing. Allele origin: germline. Affected: yes. Observed: 1 variant allele.
Comment: PLXNB3: PM2, BP4

NM_005393.3(PLXNB3):c.46-613G>A

Genes: PLXNB3 (plexin B3; plus strand), PLXNB3-AS1 (PLXNB3 antisense RNA 1; minus strand). Cytogenetic location: Xq28.
Variant type: single nucleotide variant.
Coding change: c.46-613G>A on transcript NM_005393.3 (MANE Select); 613 bases into the intron before coding-DNA position 46, G replaced by A.
Molecular consequence: intron variant. On other transcripts: missense variant (1).
Genome position (GRCh38, 1-based): chrX:153,766,260, G>A. VCF-style: chrX-153766260-G-A. GRCh37 (hg19) VCF-style: chrX-153031715-G-A.
Other names: c.50G>A, p.Arg17Gln (NM_001163257.2); short protein forms R17Q.
Identifiers: ClinVar variation 2673267 (VCV002673267.23), dbSNP rs904791368, ClinGen allele CA337223463.